The following is an entry in ClinVar:

NC_000001.10:g.(?_40555072)_(40558194_?)del

Gene: PPT1 (palmitoyl-protein thioesterase 1; minus strand). Cytogenetic location: 1p34.2.
Variant type: Deletion.
Identifiers: ClinVar variation 2422851 (VCV002422851.3).

ClinVar aggregate classification (germline): Pathogenic (1 of 4 stars; one submission).

Conditions:
Neuronal ceroid lipofuscinosis 1 (CLN1). Also called: CEROID LIPOFUSCINOSIS, NEURONAL, 1, VARIABLE AGE AT ONSET; PPT1-Related Neuronal Ceroid-Lipofuscinosis. Identifiers: Orphanet 228329, MedGen C1850451, MONDO:0009744, OMIM 256730.

Submission:

Labcorp Genetics (formerly Invitae), Labcorp
Classification: Pathogenic for Neuronal ceroid lipofuscinosis 1. Last evaluated: 2021-12-02. Review status: criteria provided, single submitter. Criteria: Invitae Variant Classification Sherloc (09022015). Collection method: clinical testing. Allele origin: germline.
Comment: This variant is a gross deletion of the genomic region encompassing exon(s) 2-5 of the PPT1 gene. This deletion is out-of-frame, and is expected to create a premature termination codon and result in an absent or disrupted protein product. Loss-of-function variants in PPT1 are known to be pathogenic (PMID: 10679943, 21990111). This variant has not been reported in the literature in individuals affected with PPT1-related conditions. For these reasons, this variant has been classified as Pathogenic.

Literature cited by the submitters: PubMed 10679943; PubMed 21990111.